The following is an entry in ClinVar:

NM_001077350.3(NPRL3):c.439C>G (p.Arg147Gly)

Genes: HBA-LCR (alpha-globin locus control region; plus strand), NPRL3 (NPR3 like, GATOR1 complex subunit; minus strand). Cytogenetic location: 16p13.3.
Variant type: single nucleotide variant.
Coding change: c.439C>G on transcript NM_001077350.3 (MANE Select); coding-DNA position 439, C replaced by G.
Protein change: p.Arg147Gly; replaces arginine 147 with glycine.
Molecular consequence: missense variant. On other transcripts: 5 prime UTR variant (1).
Genome position (GRCh38, 1-based): chr16:112,730, G>C on the plus strand (C>G on the coding strand, the complement: NPRL3 is on the minus strand). VCF-style: chr16-112730-G-C. GRCh37 (hg19) VCF-style: chr16-162729-G-C.
Other names: c.-99C>G (NM_001039476.3); c.205C>G, p.Arg69Gly (NM_001243247.2); c.364C>G, p.Arg122Gly (NM_001243248.2, NM_001243249.2); short protein forms R122G, R147G, R69G.
Identifiers: ClinVar variation 1715650 (VCV001715650.5), dbSNP rs202129021, ClinGen allele CA393993994.
Genomic context (GRCh38, chr16:112,730, plus strand): 5'-CCTCCCGGGTGAGGTACTGGCAGCGGCGCTCCTCGTGCTGCAGCACGGTGGCGATACGAC[G>C]GGACAGGTTATGCAGACAGTTTATCACTGACGGGTCTGCGTTGGCCTGCAGGAGAGAGAC-3'
Protein context (NP_001070818.1, residues 137-157): SVINCLHNLS[Arg147Gly]RIATVLQHEE

ClinVar aggregate classification (germline): Uncertain significance (1 of 4 stars; one submission).

Conditions:
Epilepsy, familial focal, with variable foci 3 (FFEVF3). Identifiers: MedGen C4310708, MONDO:0014925, OMIM 617118.

Submission:

Labcorp Genetics (formerly Invitae), Labcorp
Classification: Uncertain significance for Epilepsy, familial focal, with variable foci 3. Last evaluated: 2022-08-22. Review status: criteria provided, single submitter. Criteria: Invitae Variant Classification Sherloc (09022015). Collection method: clinical testing. Allele origin: germline.
Comment: This variant is not present in population databases (gnomAD no frequency). This variant has not been reported in the literature in individuals affected with NPRL3-related conditions. Experimental studies and prediction algorithms are not available or were not evaluated, and the functional significance of this variant is currently unknown. In summary, the available evidence is currently insufficient to determine the role of this variant in disease. Therefore, it has been classified as a Variant of Uncertain Significance. This sequence change replaces arginine, which is basic and polar, with glycine, which is neutral and non-polar, at codon 147 of the NPRL3 protein (p.Arg147Gly).